The following is an entry in ClinVar:

ClinVar aggregate classification (germline): Likely pathogenic (1 of 4 stars; one submission).

Submission:

Labcorp Genetics (formerly Invitae), Labcorp
Classification: Likely pathogenic. Last evaluated: 2022-05-24. Review status: criteria provided, single submitter. Criteria: Invitae Variant Classification Sherloc (09022015). Collection method: clinical testing. Allele origin: germline.
Comment: In summary, the currently available evidence indicates that the variant is pathogenic, but additional data are needed to prove that conclusively. Therefore, this variant has been classified as Likely Pathogenic. This variant has not been reported in the literature in individuals affected with ABCA4-related conditions. This variant results in the deletion of part of exon 7 (c.769-2696_789del) of the ABCA4 gene. It is expected to disrupt RNA splicing. Variants that disrupt the donor or acceptor splice site typically lead to a loss of protein function (PMID: 16199547), and loss-of-function variants in ABCA4 are known to be pathogenic (PMID: 10958761, 24938718, 25312043, 26780318).

Literature cited by the submitters: PubMed 16199547; PubMed 10958761; PubMed 24938718; PubMed 25312043; PubMed 26780318.

NC_000001.10:g.(?_94548977)_(94551693_?)del

Gene: ABCA4 (ATP binding cassette subfamily A member 4; minus strand). Cytogenetic location: 1p22.1.
Variant type: Deletion.
Identifiers: ClinVar variation 2422951 (VCV002422951.4).